The following is an entry in ClinVar:

ClinVar aggregate classification (germline): Benign/Likely benign. Review status: criteria provided, multiple submitters, no conflicts (2 of 4 stars). 3 submissions from 3 submitters: Benign (1); Likely benign (2). Last evaluated 2025-08-31.

Conditions:
Hereditary cancer-predisposing syndrome. Also called: Neoplastic Syndromes, Hereditary; Tumor predisposition; Hereditary Cancer Syndrome; Hereditary neoplastic syndrome. Identifiers: Orphanet 140162, MedGen C0027672, MeSH D009386, MONDO:0015356.
Hereditary leiomyomatosis and renal cell cancer. Also called: MULTIPLE CUTANEOUS AND UTERINE LEIOMYOMATA 1, WITH OR WITHOUT RENAL CELL CARCINOMA; LEIOMYOMA, MULTIPLE CUTANEOUS; Reed syndrome; Multiple cutaneous and uterine leiomyomatosis; Cutaneous leiomyomata with uterine leiomyomata; Leiomyoma, hereditary multiple, of skin. Identifiers: Orphanet 523, MedGen C1708350, MONDO:0007888, OMIM 150800, HP:0007437. Disease mechanism: loss of function.

gnomAD v4.1: 1 of 1,612,564 alleles (0.000062%); highest among the groups gnomAD compares: Non-Finnish European, 0.000085%; no homozygotes.

Submissions (3):

Quest Diagnostics Nichols Institute San Juan Capistrano
Classification: Likely benign. Last evaluated: 2025-08-31. Review status: criteria provided, single submitter. Criteria: Quest Diagnostics criteria. Collection method: clinical testing. Allele origin: unknown.

Ambry Genetics
Classification: Likely benign for Hereditary cancer-predisposing syndrome. Last evaluated: 2024-10-18. Review status: criteria provided, single submitter. Criteria: Ambry Variant Classification Scheme 2023. Collection method: clinical testing. Allele origin: germline.

Myriad Genetics, Inc.
Classification: Benign for Hereditary leiomyomatosis and renal cell cancer. Last evaluated: 2024-10-18. Review status: criteria provided, single submitter. Criteria: Myriad Autosomal Dominant, Autosomal Recessive and X-Linked Classification Criteria (2023). Collection method: clinical testing. Allele origin: unknown.
Comment: This variant is considered benign. This variant is a silent/synonymous amino acid change and it is not expected to impact splicing.

NM_000143.4(FH):c.735G>A (p.Gly245=)

Gene: FH (fumarate hydratase; minus strand). Cytogenetic location: 1q43.
Variant type: single nucleotide variant.
Coding change: c.735G>A on transcript NM_000143.4 (MANE Select); coding-DNA position 735, G replaced by A.
Protein change: p.Gly245=; no amino-acid change (glycine 245 retained).
Molecular consequence: synonymous variant.
Genome position (GRCh38, 1-based): chr1:241,508,606, C>T on the plus strand (G>A on the coding strand, the complement: FH is on the minus strand). VCF-style: chr1-241508606-C-T. GRCh37 (hg19) VCF-style: chr1-241671906-C-T.
Identifiers: ClinVar variation 3515110 (VCV003515110.2).